The following continues an entry in ClinVar:

NM_000518.4(HBB):c.208G>A (p.Gly70Ser)

ClinVar aggregate classification (germline): Conflicting classifications of pathogenicity. Pathogenic (2); Likely pathogenic (11); Uncertain significance (8); Likely benign (1).

Submissions 7 to 24 of 24:

First Genomix Gene Laboratory, Genetic Diagnostics Department
Classification: Likely pathogenic for Beta-thalassemia HBB/LCRB. Last evaluated: 2025-06-11. Review status: criteria provided, single submitter. Criteria: ACMG Guidelines, 2015. Collection method: clinical testing. Allele origin: germline. Inheritance: Autosomal recessive inheritance. Affected: no.

ARUP Laboratories, Molecular Genetics and Genomics, ARUP Laboratories
Classification: Uncertain significance. Last evaluated: 2025-03-12. Review status: criteria provided, single submitter. Criteria: ARUP Molecular Germline Variant Investigation Process 2024. Collection method: clinical testing. Allele origin: germline.
Comment: The Hb City of Hope variant (HBB: c.208G>A; p.Gly70Ser, also known as Gly69Ser when numbered from the mature protein; rs33947415, ClinVar Variation ID: 15138, HbVar ID: 377) is reported in the literature in the heterozygous state in asymptomatic individuals (HbVar and references therein), and in trans to a pathogenic variant in an individual presenting with classical beta-thalassemia trait; however, this individual also carried an alpha-thalassemia deletion (--SEA), which could reduce the globin chain imbalance and minimize the clinical impact (Zhou 2019). Hb City of Hope has also been observed in trans to pathogenic HBB variants in several individuals with thalassemia intermedia or moderate to severe anemia (Paridisi 2010, Vinciguerra 2015). It is found in the Ashkenazi Jewish population with an overall allele frequency of 1.8% (184/10366 alleles) in the Genome Aggregation Database (v2.1.1). Computational analyses are uncertain whether this variant is neutral or deleterious (REVEL: 0.584). Due to conflicting information, the clinical significance of the Hb City of Hope variant is uncertain at this time. References: Link to HbVar database: Paradisi et al. Hemoglobin S/hemoglobin City of Hope compound heterozygote with a SubSaharan genetic background and severe bone marrow hypoplasia. Invest Clin. 2010 Sep;51(3):403-14. PMID: 21302591. Vinciguerra et al. Co-inheritance of the rare ÃŸ hemoglobin variants Hb Yaounde, Hb GÃ¶rwihl and Hb City of Hope with other alterations in globin genes: impact in genetic counseling. Eur J Haematol. 2015 Apr;94(4):322-9. PMID: 25113778. Zhou et al. Coinheritance of Hb City of Hope (HBB: c.208G>A) and B-Thalassemia: Compromising the Molecular Diagnosis of the Codons 71/72 (+A) (HBB: c.216_217insA) Mutation by Reverse Dot-Blot Hybridization. Hemoglobin. 2019 Mar;43(2):145-147. PMID: 31268351.

Revvity Omics, Revvity
Classification: Likely pathogenic. Last evaluated: 2025-01-31. Review status: criteria provided, single submitter. Criteria: ACMG Guidelines, 2015. Collection method: clinical testing. Allele origin: germline.

Blueprint Genetics
Classification: Uncertain significance. Last evaluated: 2024-10-30. Review status: criteria provided, single submitter. Criteria: ACMG Guidelines, 2015. Collection method: clinical testing. Allele origin: germline.

Fulgent Genetics
Classification: Likely pathogenic for Heinz body anemia; Hereditary persistence of fetal hemoglobin; Dominant beta-thalassemia; Hb SS disease; Malaria, susceptibility to; Beta-thalassemia HBB/LCRB; METHEMOGLOBINEMIA, BETA TYPE; Erythrocytosis, familial, 6. Last evaluated: 2024-04-30. Review status: criteria provided, single submitter. Criteria: ACMG Guidelines, 2015. Collection method: clinical testing. Allele origin: germline.

Department of Pathology and Laboratory Medicine, Sinai Health System
Classification: Likely pathogenic for Heinz body anemia; Dominant beta-thalassemia; alpha Thalassemia; Hb SS disease; Beta-thalassemia HBB/LCRB. Last evaluated: 2023-07-24. Review status: criteria provided, single submitter. Criteria: ACMG Guidelines, 2015. Collection method: research. Allele origin: germline.

Mendelics
Classification: Uncertain significance. Last evaluated: 2022-05-04. Review status: criteria provided, single submitter. Criteria: Mendelics Assertion Criteria 2019. Collection method: clinical testing. Allele origin: germline.

Fulgent Genetics
Classification: Likely pathogenic for Heinz body anemia; Hereditary persistence of fetal hemoglobin; Dominant beta-thalassemia; Hb SS disease; alpha Thalassemia; Malaria, susceptibility to; Beta-thalassemia HBB/LCRB; METHEMOGLOBINEMIA, BETA TYPE; Erythrocytosis, familial, 6. Last evaluated: 2021-06-30. Review status: criteria provided, single submitter. Criteria: ACMG Guidelines, 2015. Collection method: clinical testing. Allele origin: unknown.
Comment: This variant has been detected in individual(s) who were sent for testing of Renasight - kidney gene panel.

Genome-Nilou Lab
Classification: Uncertain significance for Hb SS disease. Last evaluated: 2021-05-18. Review status: criteria provided, single submitter. Criteria: ACMG Guidelines, 2015. Collection method: clinical testing. Allele origin: germline. Affected: no.

Genetics Laboratory, Department of Biology, Semnan University
Classification: Pathogenic for Beta-thalassemia HBB/LCRB. Last evaluated: 2019-09-25. Review status: criteria provided, single submitter. Criteria: ACMG Guidelines, 2015. Collection method: research. Allele origin: germline. Inheritance: Autosomal recessive inheritance. Affected: no. Observed: 1 variant allele, 1 heterozygote.
Comment: The identified variant leads to the substitution of Glycine 208 with Alanine (G208A) in the HBB protein. Hence, this substitution could alter the amino acid sequence and could leads to a decreased function of mutated protein.

Illumina Laboratory Services, Illumina
Classification: Uncertain significance for Beta-thalassemia HBB/LCRB. Last evaluated: 2017-04-27. Review status: criteria provided, single submitter. Criteria: ICSL Variant Classification Criteria 13 December 2019. Collection method: clinical testing. Allele origin: germline.

Illumina Laboratory Services, Illumina
Classification: Uncertain significance for Hemoglobin E. Last evaluated: 2017-04-27. Review status: criteria provided, single submitter. Criteria: ICSL Variant Classification Criteria 13 December 2019. Collection method: clinical testing. Allele origin: germline.

Illumina Laboratory Services, Illumina
Classification: Uncertain significance for Hereditary persistence of fetal hemoglobin. Last evaluated: 2017-04-27. Review status: criteria provided, single submitter. Criteria: ICSL Variant Classification Criteria 13 December 2019. Collection method: clinical testing. Allele origin: germline.

Illumina Laboratory Services, Illumina
Classification: Uncertain significance for Hb SS disease. Last evaluated: 2017-04-27. Review status: criteria provided, single submitter. Criteria: ICSL Variant Classification Criteria 13 December 2019. Collection method: clinical testing. Allele origin: germline.

Eurofins Ntd Llc (ga)
Classification: Likely pathogenic. Last evaluated: 2015-08-08. Review status: criteria provided, single submitter. Criteria: EGL Classification Definitions 2015. Collection method: clinical testing. Allele origin: germline. Observed: 7 variant alleles, 7 heterozygotes.

Baylor Genetics
Classification: Pathogenic for Hb SS disease. Review status: criteria provided, single submitter. Criteria: ACMG Guidelines, 2015. Collection method: clinical testing. Allele origin: germline.

OMIM
Classification: other for HEMOGLOBIN CITY OF HOPE. Last evaluated: 2017-12-12. Review status: no assertion criteria provided. Collection method: literature only. Allele origin: germline. Not counted in ClinVar's aggregate classification.

Bodamer Research Lab, Boston Children's Hospital
Classification: Uncertain significance for Beta-thalassemia HBB/LCRB. Last evaluated: 2016-02-24. Review status: no assertion criteria provided. Collection method: clinical testing. Allele origin: maternal. Inheritance: Autosomal recessive inheritance. Observed: 1 variant allele, 1 heterozygote. Not counted in ClinVar's aggregate classification.

Literature cited by the submitters: PubMed 1353069 (cited by Women's Health and Genetics/Laboratory Corporation of America, LabCorp and Quest Diagnostics Nichols Institute San Juan Capistrano); PubMed 2200760 (cited by 3 submitters); PubMed 2467892 (cited by 5 submitters); PubMed 6434492 (cited by Women's Health and Genetics/Laboratory Corporation of America, LabCorp and Quest Diagnostics Nichols Institute San Juan Capistrano); PubMed 3957690 (cited by Women's Health and Genetics/Laboratory Corporation of America, LabCorp); PubMed 17932132 (cited by Women's Health and Genetics/Laboratory Corporation of America, LabCorp); PubMed 21302591 (cited by 3 submitters); PubMed 25113778 (cited by 5 submitters); PubMed 26436569 (cited by Women's Health and Genetics/Laboratory Corporation of America, LabCorp and Quest Diagnostics Nichols Institute San Juan Capistrano); PubMed 31553106 (cited by Women's Health and Genetics/Laboratory Corporation of America, LabCorp and Quest Diagnostics Nichols Institute San Juan Capistrano); PubMed 31268351 (cited by Women's Health and Genetics/Laboratory Corporation of America, LabCorp and Quest Diagnostics Nichols Institute San Juan Capistrano); PubMed 34092029 (cited by Women's Health and Genetics/Laboratory Corporation of America, LabCorp and Quest Diagnostics Nichols Institute San Juan Capistrano); PubMed 28802248 (cited by Women's Health and Genetics/Laboratory Corporation of America, LabCorp and Quest Diagnostics Nichols Institute San Juan Capistrano); PubMed 39696913 (cited by Women's Health and Genetics/Laboratory Corporation of America, LabCorp and Quest Diagnostics Nichols Institute San Juan Capistrano); PubMed 38708170 (cited by Labcorp Genetics (formerly Invitae), Labcorp and Quest Diagnostics Nichols Institute San Juan Capistrano); PubMed 34426522 (cited by Quest Diagnostics Nichols Institute San Juan Capistrano); PubMed 27207683 (cited by Quest Diagnostics Nichols Institute San Juan Capistrano); PubMed 27823958 (cited by Quest Diagnostics Nichols Institute San Juan Capistrano); PubMed 37028505 (cited by Quest Diagnostics Nichols Institute San Juan Capistrano); PubMed 37265972 (cited by Quest Diagnostics Nichols Institute San Juan Capistrano); DOI 10.5114/aoms.2019.84825 (cited by Genetics Laboratory, Department of Biology, Semnan University); PubMed 6019668 (cited by OMIM); PubMed 3170235 (cited by OMIM).